The following is an entry in ClinVar:

NM_021098.3(CACNA1H):c.3363+6G>A

Gene: CACNA1H (calcium voltage-gated channel subunit alpha1 H; plus strand). Cytogenetic location: 16p13.3.
Variant type: single nucleotide variant.
Coding change: c.3363+6G>A on transcript NM_021098.3 (MANE Select); 6 bases into the intron after coding-DNA position 3363, G replaced by A.
Molecular consequence: intron variant.
Genome position (GRCh38, 1-based): chr16:1,208,227, G>A. VCF-style: chr16-1208227-G-A. GRCh37 (hg19) VCF-style: chr16-1258227-G-A.
Other names: c.3363+6G>A (NM_001005407.2).
Identifiers: ClinVar variation 647240 (VCV000647240.9), dbSNP rs574199321, ClinGen allele CA7800730.

ClinVar aggregate classification (germline): Uncertain significance (1 of 4 stars; one submission).

Conditions:
Hyperaldosteronism, familial, type IV (HALD4). Also called: FH IV; ALDOSTERONISM, PRIMARY, AND HYPERTENSION. Identifiers: Orphanet 642671, MedGen C4310756, MONDO:0014875, OMIM 617027.
Idiopathic generalized epilepsy. Also called: Generalised epilepsy; EIG. Identifiers: MedGen C0270850, MONDO:0005579, OMIM 600669.

Allele frequency attached by ClinVar (database versions not stated): gnomAD exomes 0.00002 and 0.00005; 1000 Genomes Project 0.00020; ExAC 0.00010; 1000 Genomes Project 30x 0.00016; gnomAD 0.00019; TOPMed 0.00025.
gnomAD v4.1: 58 of 1,549,452 alleles (0.0037%); highest among the groups gnomAD compares: African/African-American, 0.063%; no homozygotes.

Submission:

Labcorp Genetics (formerly Invitae), Labcorp
Classification: Uncertain significance for Idiopathic generalized epilepsy; Hyperaldosteronism, familial, type IV. Last evaluated: 2025-12-20. Review status: criteria provided, single submitter. Criteria: Invitae Variant Classification Sherloc (09022015). Collection method: clinical testing. Allele origin: germline.
Comment: This sequence change falls in intron 16 of the CACNA1H gene. It does not directly change the encoded amino acid sequence of the CACNA1H protein. It affects a nucleotide within the consensus splice site. This variant is present in population databases (rs574199321, gnomAD 0.08%), and has an allele count higher than expected for a pathogenic variant. This variant has not been reported in the literature in individuals affected with CACNA1H-related conditions. ClinVar contains an entry for this variant (Variation ID: 647240). Variants that disrupt the consensus splice site are a relatively common cause of aberrant splicing (PMID: 17576681, 9536098). Algorithms developed to predict the effect of sequence changes on RNA splicing suggest that this variant is not likely to affect RNA splicing. In summary, the available evidence is currently insufficient to determine the role of this variant in disease. Therefore, it has been classified as a Variant of Uncertain Significance.

Literature cited by the submitters: PubMed 17576681; PubMed 9536098.